The following is an entry in ClinVar:

ClinVar aggregate classification (germline): Likely benign. Review status: criteria provided, multiple submitters, no conflicts (2 of 4 stars). 2 submissions from 2 submitters: Likely benign (2). Last evaluated 2024-07-12.

Allele frequency attached by ClinVar (database versions not stated): gnomAD exomes below 0.00001; ExAC 0.00001; gnomAD 0.00001; TOPMed 0.00002; ESP Exome Variant Server 0.00008.
gnomAD v4.1: 7 of 1,613,922 alleles (0.00043%); highest among the groups gnomAD compares: Non-Finnish European, 0.00059%; no homozygotes.

Submissions (2):

Labcorp Genetics (formerly Invitae), Labcorp
Classification: Likely benign. Last evaluated: 2024-07-12. Review status: criteria provided, single submitter. Criteria: Invitae Variant Classification Sherloc (09022015). Collection method: clinical testing. Allele origin: germline.

CeGaT Center for Human Genetics Tuebingen
Classification: Likely benign. Last evaluated: 2023-12-01. Review status: criteria provided, single submitter. Criteria: CeGaT Center For Human Genetics Tuebingen Variant Classification Criteria Version 2. Collection method: clinical testing. Allele origin: germline. Affected: yes. Observed: 1 variant allele.
Comment: C1QB: BP4, BP7

NM_001378156.1(C1QB):c.664C>T (p.Leu222=)

Gene: C1QB (complement C1q B chain; plus strand). Cytogenetic location: 1p36.12.
Variant type: single nucleotide variant.
Coding change: c.664C>T on transcript NM_001378156.1 (MANE Select); coding-DNA position 664, C replaced by T.
Protein change: p.Leu222=; no amino-acid change (leucine 222 retained).
Molecular consequence: synonymous variant.
Genome position (GRCh38, 1-based): chr1:22,661,294, C>T. VCF-style: chr1-22661294-C-T. GRCh37 (hg19) VCF-style: chr1-22987787-C-T.
Other names: c.670C>T, p.Leu224= (NM_000491.5); c.664C>T, p.Leu222= (NM_001371184.3).
Identifiers: ClinVar variation 2672329 (VCV002672329.25), dbSNP rs144135717, ClinGen allele CA678210.